The following is an entry in ClinVar:

ClinVar aggregate classification (germline): Pathogenic. Review status: criteria provided, multiple submitters, no conflicts (2 of 4 stars). 2 submissions from 2 submitters: Pathogenic (2). Last evaluated 2023-02-16.

Conditions:
Junctional epidermolysis bullosa, non-Herlitz type. Also called: Adult junctional epidermolysis bullosa; EPIDERMOLYSIS BULLOSA, JUNCTIONAL 1A, INTERMEDIATE; EPIDERMOLYSIS BULLOSA JUNCTIONALIS, DISENTIS TYPE; EPIDERMOLYSIS BULLOSA JUNCTIONALIS, NON-HERLITZ TYPE; EPIDERMOLYSIS BULLOSA JUNCTIONALIS, PROGRESSIVE; EPIDERMOLYSIS BULLOSA JUNCTIONALIS, SEVERE NONLETHAL. Identifiers: Orphanet 251393, Orphanet 79402, Orphanet 79405, Orphanet 89840, MedGen C0268374, MONDO:0009180, OMIM 226650.

Submissions (2):

Labcorp Genetics (formerly Invitae), Labcorp
Classification: Pathogenic. Last evaluated: 2023-02-16. Review status: criteria provided, single submitter. Criteria: Invitae Variant Classification Sherloc (09022015). Collection method: clinical testing. Allele origin: germline.
Comment: For these reasons, this variant has been classified as Pathogenic. ClinVar contains an entry for this variant (Variation ID: 495060). This variant has not been reported in the literature in individuals affected with LAMB3-related conditions. This variant is not present in population databases (gnomAD no frequency). This sequence change creates a premature translational stop signal (p.Cys26Leufs*28) in the LAMB3 gene. It is expected to result in an absent or disrupted protein product. Loss-of-function variants in LAMB3 are known to be pathogenic (PMID: 11023379, 16473856).

Center of Genomic medicine, Geneva, University Hospital of Geneva
Classification: Pathogenic for Junctional epidermolysis bullosa, non-Herlitz type. Last evaluated: 2017-08-07. Review status: criteria provided, single submitter. Criteria: ACMG Guidelines, 2015. Collection method: clinical testing. Allele origin: inherited. Affected: yes.

Literature cited by the submitters: PubMed 11023379 (cited by Labcorp Genetics (formerly Invitae), Labcorp); PubMed 16473856 (cited by Labcorp Genetics (formerly Invitae), Labcorp).

NM_000228.3(LAMB3):c.76dup (p.Cys26fs)

Gene: LAMB3 (laminin subunit beta 3; minus strand). Cytogenetic location: 1q32.2.
Variant type: Duplication.
Coding change: c.76dup on transcript NM_000228.3 (MANE Select); coding-DNA position 76, one base duplicated (T; older notation c.76dupT).
Protein change: p.Cys26fs; shifts the reading frame from cysteine 26.
Molecular consequence: frameshift variant.
Genome position (GRCh38, 1-based): chr1:209,650,071, A duplicated on the plus strand (T on the coding strand, the reverse complement: LAMB3 is on the minus strand). VCF-style (leftmost placement, unchanged base first): chr1-209650070-C-CA. GRCh37 (hg19) VCF-style: chr1-209823415-C-CA.
Other names: c.76dup, p.Cys26fs (NM_001017402.2, NM_001127641.1); short protein forms C26fs.
Identifiers: ClinVar variation 495060 (VCV000495060.10), dbSNP rs1553281335, ClinGen allele CA658683170.